The following is an entry in ClinVar:

ClinVar aggregate classification (germline): Uncertain significance (1 of 4 stars; one submission).

gnomAD v4.1: 26 of 1,611,574 alleles (0.0016%); highest among the groups gnomAD compares: East Asian, 0.013%; no homozygotes.

Submission:

Ambry Genetics
Classification: Uncertain significance. Last evaluated: 2024-11-20. Review status: criteria provided, single submitter. Criteria: Ambry Variant Classification Scheme 2023. Collection method: clinical testing. Allele origin: germline.
Comment: The p.T316M variant (also known as c.947C>T), located in coding exon 3 of the WNK2 gene, results from a C to T substitution at nucleotide position 947. The threonine at codon 316 is replaced by methionine, an amino acid with similar properties. This amino acid position is conserved. In addition, the in silico prediction for this alteration is inconclusive. Based on the available evidence, the clinical significance of this variant remains unclear.

NM_006648.4(WNK2):c.947C>T (p.Thr316Met)

Gene: WNK2 (WNK lysine deficient protein kinase 2; plus strand). Cytogenetic location: 9q22.31.
Variant type: single nucleotide variant.
Coding change: c.947C>T on transcript NM_006648.4 (MANE Select); coding-DNA position 947, C replaced by T.
Protein change: p.Thr316Met; replaces threonine 316 with methionine.
Molecular consequence: missense variant.
Genome position (GRCh38, 1-based): chr9:93,230,980, C>T. VCF-style: chr9-93230980-C-T. GRCh37 (hg19) VCF-style: chr9-95993262-C-T.
Other names: c.947C>T, p.Thr316Met (NM_001282394.3); short protein forms T316M.
Identifiers: ClinVar variation 3470226 (VCV003470226.1).